The following is an entry in ClinVar:

NM_000540.3(RYR1):c.7336G>A (p.Gly2446Ser)

Gene: RYR1 (ryanodine receptor 1; plus strand). Cytogenetic location: 19q13.2.
Variant type: single nucleotide variant.
Coding change: c.7336G>A on transcript NM_000540.3 (MANE Select); coding-DNA position 7336, G replaced by A.
Protein change: p.Gly2446Ser; replaces glycine 2446 with serine.
Molecular consequence: missense variant.
Genome position (GRCh38, 1-based): chr19:38,500,618, G>A. VCF-style: chr19-38500618-G-A. GRCh37 (hg19) VCF-style: chr19-38991258-G-A.
Other names: c.7336G>A, p.Gly2446Ser (NM_001042723.2); short protein forms G2446S.
Identifiers: ClinVar variation 544400 (VCV000544400.35), dbSNP rs375148516, ClinGen allele CA069551.

ClinVar aggregate classification (germline): Uncertain significance. Review status: criteria provided, multiple submitters, no conflicts (2 of 4 stars). 8 submissions from 8 submitters: Uncertain significance (8). Last evaluated 2025-11-08.

Conditions:
Malignant hyperthermia, susceptibility to, 1 (MHS1). Also called: RYR1-Related Malignant Hyperthermia Susceptibility; Anesthesia related hyperthermia; Malignant hyperpyrexia; Fulminating hyperpyrexia; Pharmacogenic myopathy; Malignant hyperthermia suceptibility 1. Identifiers: Orphanet 423, MedGen C2930980, MONDO:0007783, OMIM 145600.
RYR1-related disorder. Also called: RYR1-related disorders; RYR1-related condition. Identifiers: MedGen CN239331.
Central core myopathy (CMYO1A). Also called: CONGENITAL MYOPATHY 1A, AUTOSOMAL DOMINANT, WITH SUSCEPTIBILITY TO MALIGNANT HYPERTHERMIA; Central core disease; Myopathy, central fibrillar. Identifiers: Orphanet 597, MedGen C5830701, MONDO:0007294, OMIM 117000.
Congenital myopathy with fiber type disproportion. Also called: Congenital fiber-type disproportion myopathy; Congenital fiber-type disproportion. Identifiers: Orphanet 2020, MedGen C0546264, MONDO:0009711. Inheritance: all.
Congenital multicore myopathy with external ophthalmoplegia (CMYO1B). Also called: MULTICORE MYOPATHY; Minicore myopathy with external ophthalmoplegia; Congenital myopathy 1B, autosomal recessive; Minicore myopathy; MULTIMINICORE DISEASE WITH EXTERNAL OPHTHALMOPLEGIA. Identifiers: Orphanet 598, Orphanet 98905, MedGen C1850674, MONDO:0009712, OMIM 255320, HP:0003789.
King Denborough syndrome (KDS). Identifiers: MedGen C1840365, MONDO:0020485, OMIM 619542.

Allele frequency attached by ClinVar (database versions not stated): ExAC 0.00004; gnomAD exomes 0.00004 and 0.00005; TOPMed 0.00005; gnomAD 0.00006; ESP Exome Variant Server 0.00008.
gnomAD v4.1: 71 of 1,612,844 alleles (0.0044%); highest among the groups gnomAD compares: South Asian, 0.021%; 1 homozygote.

Submissions (8):

Labcorp Genetics (formerly Invitae), Labcorp
Classification: Uncertain significance for RYR1-related disorder. Last evaluated: 2025-11-08. Review status: criteria provided, single submitter. Criteria: Invitae Variant Classification Sherloc (09022015). Collection method: clinical testing. Allele origin: germline.
Comment: This sequence change replaces glycine, which is neutral and non-polar, with serine, which is neutral and polar, at codon 2446 of the RYR1 protein (p.Gly2446Ser). This variant is present in population databases (rs375148516, gnomAD 0.01%). This missense change has been observed in individual(s) with clinical features of periodic paralyisis (PMID: 29298851). ClinVar contains an entry for this variant (Variation ID: 544400). Invitae Evidence Modeling of protein sequence and biophysical properties (such as structural, functional, and spatial information, amino acid conservation, physicochemical variation, residue mobility, and thermodynamic stability) has been performed for this missense variant. However, the output from this modeling did not meet the statistical confidence thresholds required to predict the impact of this variant on RYR1 protein function. In summary, the available evidence is currently insufficient to determine the role of this variant in disease. Therefore, it has been classified as a Variant of Uncertain Significance.

Color Diagnostics, LLC DBA Color Health
Classification: Uncertain significance for Malignant hyperthermia, susceptibility to, 1. Last evaluated: 2025-07-01. Review status: criteria provided, single submitter. Criteria: ACMG Guidelines, 2015. Collection method: clinical testing. Allele origin: germline.
Comment: This missense variant replaces glycine with serine at codon 2446 of the RYR1 protein. Computational prediction is inconclusive regarding the impact of this variant on protein structure and function. To our knowledge, functional studies have not been reported for this variant. This variant has not been reported in individuals affected with autosomal dominant malignant hyperthermia in the literature, although it has been reported in other phenotype(s) (ClinVar variation ID: 544400PMID: 29298851). This variant has been identified in 13/282372 chromosomes in the general population by the Genome Aggregation Database (gnomAD). Due to insufficient evidence, this variant is classified as a Variant of Uncertain Significance for autosomal dominant malignant hyperthermia.

CeGaT Center for Human Genetics Tuebingen
Classification: Uncertain significance. Last evaluated: 2024-02-01. Review status: criteria provided, single submitter. Criteria: CeGaT Center For Human Genetics Tuebingen Variant Classification Criteria Version 2. Collection method: clinical testing. Allele origin: germline. Affected: yes. Observed: 2 variant alleles.
Comment: RYR1: PM1, PM2, PP3

All of Us Research Program, National Institutes of Health
Classification: Uncertain significance for Malignant hyperthermia, susceptibility to, 1. Last evaluated: 2023-12-01. Review status: criteria provided, single submitter. Criteria: ACMG Guidelines, 2015. Collection method: clinical testing. Allele origin: germline. Inheritance: Autosomal dominant inheritance. Observed: 7 variant alleles, 7 heterozygotes.
Comment: This missense variant replaces glycine with serine at codon 2446 of the RYR1 protein. Computational prediction is inconclusive regarding the impact of this variant on protein structure and function (internally defined REVEL score threshold 0.5 < inconclusive < 0.7, PMID: 27666373). To our knowledge, functional studies have not been reported for this variant. This variant has not been reported in individuals affected with autosomal dominant malignant hyperthermia in the literature, although it has been reported in other phenotype(s) (ClinVar variation ID: 544400; PMID: 29298851). This variant has been identified in 13/282372 chromosomes in the general population by the Genome Aggregation Database (gnomAD). Due to insufficient evidence, this variant is classified as a Variant of Uncertain Significance for autosomal dominant malignant hyperthermia.

This study involves interpretation of variants in research participants for the purpose of population health screening. Participant phenotype was not available at the time of variant classification. Additional details can be found in publication PMID: 35346344, PMCID: PMC8962531

Blueprint Genetics
Classification: Uncertain significance. Last evaluated: 2022-12-14. Review status: criteria provided, single submitter. Criteria: ACMG Guidelines, 2015. Collection method: clinical testing. Allele origin: germline.

MGZ Medical Genetics Center
Classification: Uncertain significance for Central core myopathy. Last evaluated: 2022-05-10. Review status: criteria provided, single submitter. Criteria: ACMG Guidelines, 2015. Collection method: clinical testing. Allele origin: germline. Affected: yes. Observed: 1 variant allele.
Comment: ACMG criteria applied: PM2_SUP, PP3

GeneDx
Classification: Uncertain significance. Last evaluated: 2022-04-06. Review status: criteria provided, single submitter. Criteria: GeneDx Variant Classification Process June 2021. Collection method: clinical testing. Allele origin: germline. Affected: yes.
Comment: In silico analysis supports that this missense variant has a deleterious effect on protein structure/function; Observed in a patient with intermittent limb weakness with a second RYR1 variant (Matthews et al., 2018); This variant is associated with the following publications: (PMID: 12668474, 29298851)

Fulgent Genetics
Classification: Uncertain significance for Central core myopathy; Malignant hyperthermia, susceptibility to, 1; Congenital myopathy 4A, autosomal dominant; Congenital multicore myopathy with external ophthalmoplegia; King Denborough syndrome. Last evaluated: 2021-09-01. Review status: criteria provided, single submitter. Criteria: ACMG Guidelines, 2015. Collection method: clinical testing. Allele origin: unknown.

Literature cited by the submitters: PubMed 29298851 (cited by Labcorp Genetics (formerly Invitae), Labcorp and All of Us Research Program, National Institutes of Health).